The following is an entry in ClinVar:

ClinVar aggregate classification (germline): Uncertain significance. Review status: criteria provided, multiple submitters, no conflicts (2 of 4 stars). 2 submissions from 2 submitters: Uncertain significance (2). Last evaluated 2025-03-16.

Conditions:
Hereditary cancer-predisposing syndrome. Also called: Hereditary neoplastic syndrome; Neoplastic Syndromes, Hereditary; Tumor predisposition; Hereditary Cancer Syndrome. Identifiers: Orphanet 140162, MedGen C0027672, MeSH D009386, MONDO:0015356.
Ataxia-telangiectasia syndrome (AT). Also called: LOUIS-BAR SYNDROME; Cerebello-oculocutaneous telangiectasia; Immunodeficiency with ataxia telangiectasia; AT, COMPLEMENTATION GROUP C; Ataxia-telangiectasia, complementation group D; ATAXIA-TELANGIECTASIA, COMPLEMENTATION GROUP A. Identifiers: Orphanet 100, MedGen C0004135, MONDO:0008840, OMIM 208900.

Submissions (2):

Labcorp Genetics (formerly Invitae), Labcorp
Classification: Uncertain significance for Ataxia-telangiectasia syndrome. Last evaluated: 2025-03-16. Review status: criteria provided, single submitter. Criteria: Invitae Variant Classification Sherloc (09022015). Collection method: clinical testing. Allele origin: germline.
Comment: This sequence change replaces glutamine, which is neutral and polar, with histidine, which is basic and polar, at codon 218 of the ATM protein (p.Gln218His). This variant is not present in population databases (gnomAD no frequency). This variant has not been reported in the literature in individuals affected with ATM-related conditions. ClinVar contains an entry for this variant (Variation ID: 480877). Invitae Evidence Modeling of protein sequence and biophysical properties (such as structural, functional, and spatial information, amino acid conservation, physicochemical variation, residue mobility, and thermodynamic stability) indicates that this missense variant is not expected to disrupt ATM protein function with a negative predictive value of 95%. In summary, the available evidence is currently insufficient to determine the role of this variant in disease. Therefore, it has been classified as a Variant of Uncertain Significance.

Ambry Genetics
Classification: Uncertain significance for Hereditary cancer-predisposing syndrome. Last evaluated: 2016-12-28. Review status: criteria provided, single submitter. Criteria: Ambry Variant Classification Scheme 2023. Collection method: clinical testing. Allele origin: germline.
Comment: The p.Q218H variant (also known as c.654G>T), located in coding exon 5 of the ATM gene, results from a G to T substitution at nucleotide position 654. The glutamine at codon 218 is replaced by histidine, an amino acid with highly similar properties. This amino acid position is not well conserved in available vertebrate species. In addition, this alteration is predicted to be tolerated by in silico analysis. Since supporting evidence is limited at this time, the clinical significance of this alteration remains unclear.

NM_000051.4(ATM):c.654G>T (p.Gln218His)

Gene: ATM (ATM serine/threonine kinase; plus strand). Cytogenetic location: 11q22.3.
Variant type: single nucleotide variant.
Coding change: c.654G>T on transcript NM_000051.4 (MANE Select); coding-DNA position 654, G replaced by T.
Protein change: p.Gln218His; replaces glutamine 218 with histidine.
Molecular consequence: missense variant.
Genome position (GRCh38, 1-based): chr11:108,244,110, G>T. VCF-style: chr11-108244110-G-T. GRCh37 (hg19) VCF-style: chr11-108114837-G-T.
Other names: c.654G>T, p.Gln218His (NM_001351834.2); short protein forms Q218H.
Identifiers: ClinVar variation 480877 (VCV000480877.6), dbSNP rs1555066555, ClinGen allele CA382528574.
Genomic context (GRCh38, chr11:108,244,110, plus strand): 5'-CTGTTCTCAGACTGACGGATTAAATTCCAAATTTTTGGACTTTTTTTCCAAGGCTATTCA[G>T]TGTGCGAGGTAATCTAATCTCTTTTTCTTTTGTTTTGTATTGAAATACTTTTGATCTTGC-3'
Protein context (NP_000042.3, residues 208-228): KFLDFFSKAI[Gln218His]CARQEKSSSG